The following is an entry in ClinVar:

NM_000407.5(GP1BB):c.74G>T (p.Gly25Val)

Genes: GP1BB (glycoprotein Ib platelet subunit beta; plus strand), SEPT5-GP1BB (SEPT5-GP1BB readthrough; plus strand). Cytogenetic location: 22q11.21.
Variant type: single nucleotide variant.
Coding change: c.74G>T on transcript NM_000407.5 (MANE Select); coding-DNA position 74, G replaced by T.
Protein change: p.Gly25Val; replaces glycine 25 with valine.
Molecular consequence: missense variant. On other transcripts: non-coding transcript variant (2).
Genome position (GRCh38, 1-based): chr22:19,723,917, G>T. VCF-style: chr22-19723917-G-T. GRCh37 (hg19) VCF-style: chr22-19711440-G-T.
Other names: short protein forms G25V.
Identifiers: ClinVar variation 3772608 (VCV003772608.13).

ClinVar aggregate classification (germline): Uncertain significance (1 of 4 stars; one submission).

Submission:

CeGaT Center for Human Genetics Tuebingen
Classification: Uncertain significance. Last evaluated: 2025-02-01. Review status: criteria provided, single submitter. Criteria: CeGaT Center For Human Genetics Tuebingen Variant Classification Criteria Version 2. Collection method: clinical testing. Allele origin: germline. Affected: yes. Observed: 1 variant allele.
Comment: GP1BB: PM2, PP3